The following is an entry in ClinVar:

ClinVar aggregate classification (germline): Pathogenic (1 of 4 stars; one submission).

Conditions:
Intellectual disability, autosomal dominant 14 (CSS2). Also called: COFFIN-SIRIS SYNDROME 2. Identifiers: Orphanet 1465, MedGen C3553247, MONDO:0013819, OMIM 614607.

Submission:

Rady Children's Institute for Genomic Medicine, Rady Children's Hospital San Diego
Classification: Pathogenic for COFFIN-SIRIS SYNDROME 2. Last evaluated: 2020-02-19. Review status: criteria provided, single submitter. Criteria: ACMG Guidelines, 2015. Collection method: clinical testing. Allele origin: germline. Affected: yes.
Comment: This nonsense/frameshift mutation is found in the last exon of ARID1A and the functional consequence of this variant is therefore difficult to predict. However, nonsense and frameshift variants located downstream of this variant have been reported as disease-causing variants in the literature (PMID: 23906836, 23929686). This variant has not been previously reported or functionally characterized in the literature to our knowledge. It is absent from the ExAC and gnomAD population databases and thus is presumed to be rare. Based on the available evidence, the c.5531G>A (p.Trp1844Ter) variant is classified as Pathogenic.

NM_006015.6(ARID1A):c.5531G>A (p.Trp1844Ter)

Gene: ARID1A (AT-rich interaction domain 1A; plus strand). Cytogenetic location: 1p36.11.
Variant type: single nucleotide variant.
Coding change: c.5531G>A on transcript NM_006015.6 (MANE Select); coding-DNA position 5531, G replaced by A.
Protein change: p.Trp1844Ter; replaces tryptophan 1844 with a stop codon.
Molecular consequence: nonsense.
Genome position (GRCh38, 1-based): chr1:26,779,429, G>A. VCF-style: chr1-26779429-G-A. GRCh37 (hg19) VCF-style: chr1-27105920-G-A.
Other names: c.4880G>A, p.Trp1627Ter (NM_139135.4); short protein forms W1627*, W1844*.
Identifiers: ClinVar variation 984945 (VCV000984945.1), dbSNP rs2081169212, ClinGen allele CA339185792.
Genomic context (GRCh38, chr1:26,779,429, plus strand): 5'-TGGTGGACTGCTCAGATAAGCTTGGGCGTGTGCAGGAGTTTGACAGTGGCCTGCTGCACT[G>A]GCGGATTGGTGGGGGGGACACCACTGAGCATATCCAGACCCACTTCGAGAGCAAGACAGA-3'